The following is an entry in ClinVar:

NM_012470.4(TNPO3):c.2011C>T (p.Arg671Cys)

Gene: TNPO3 (transportin 3; minus strand). Cytogenetic location: 7q32.1.
Variant type: single nucleotide variant.
Coding change: c.2011C>T on transcript NM_012470.4 (MANE Select); coding-DNA position 2011, C replaced by T.
Protein change: p.Arg671Cys; replaces arginine 671 with cysteine.
Molecular consequence: missense variant. On other transcripts: non-coding transcript variant (14), intron variant (1).
Genome position (GRCh38, 1-based): chr7:128,979,033, G>A on the plus strand (C>T on the coding strand, the complement: TNPO3 is on the minus strand). VCF-style: chr7-128979033-G-A. GRCh37 (hg19) VCF-style: chr7-128619087-G-A.
Other names: c.1819C>T, p.Arg607Cys (NM_001191028.3, NM_001382223.1); c.2113C>T, p.Arg705Cys (NM_001382216.1); c.2092C>T, p.Arg698Cys (NM_001382217.1); c.2011C>T, p.Arg671Cys (NM_001382218.1); c.1903C>T, p.Arg635Cys (NM_001382219.1); c.1867C>T, p.Arg623Cys (NM_001382221.1); c.1864C>T, p.Arg622Cys (NM_001382222.1); c.1920+938C>T (NM_001382220.1); and 1 more; short protein forms R622C, R623C, R635C, R698C, R607C, R671C, R705C.
Identifiers: ClinVar variation 2047406 (VCV002047406.5), dbSNP rs1799368085, ClinGen allele CA369220958.
Genomic context (GRCh38, chr7:128,979,033, plus strand): 5'-ATAACTTTACCTGTGTGACTAGTGGCTGCAGCAGTGCTGCAGATCCTTTGCCTACACAGC[G>A]AACAGCAAAGCGCAGGCACCTGCAACAACGCTCTACAATCCGATTATCAGCTCGGTGCTT-3'
Protein context (NP_036602.1, residues 661-681): RCCRCLRFAV[Arg671Cys]CVGKGSAALL

ClinVar aggregate classification (germline): Uncertain significance. Review status: criteria provided, multiple submitters, no conflicts (2 of 4 stars). 2 submissions from 2 submitters: Uncertain significance (2). Last evaluated 2023-12-16.

Conditions:
Autosomal dominant limb-girdle muscular dystrophy type 1F (LGMDD2). Also called: Limb-girdle muscular dystrophy, type 1F; MUSCULAR DYSTROPHY, LIMB-GIRDLE, AUTOSOMAL DOMINANT 2. Identifiers: Orphanet 55595, MedGen C1842062, MONDO:0012034, OMIM 608423.
Inborn genetic diseases. Identifiers: MedGen C0950123, MeSH D030342.

gnomAD v4.1: 5 of 1,614,192 alleles (0.00031%); highest among the groups gnomAD compares: Non-Finnish European, 0.00042%; no homozygotes.

Submissions (2):

Ambry Genetics
Classification: Uncertain significance for Inborn genetic diseases. Last evaluated: 2023-12-16. Review status: criteria provided, single submitter. Criteria: Ambry Variant Classification Scheme 2023. Collection method: clinical testing. Allele origin: germline.

Labcorp Genetics (formerly Invitae), Labcorp
Classification: Uncertain significance for Autosomal dominant limb-girdle muscular dystrophy type 1F. Last evaluated: 2022-02-08. Review status: criteria provided, single submitter. Criteria: Invitae Variant Classification Sherloc (09022015). Collection method: clinical testing. Allele origin: germline.
Comment: This variant has not been reported in the literature in individuals affected with TNPO3-related conditions. In summary, the available evidence is currently insufficient to determine the role of this variant in disease. Therefore, it has been classified as a Variant of Uncertain Significance. Algorithms developed to predict the effect of missense changes on protein structure and function (SIFT, PolyPhen-2, Align-GVGD) all suggest that this variant is likely to be disruptive. This variant is not present in population databases (gnomAD no frequency). This sequence change replaces arginine, which is basic and polar, with cysteine, which is neutral and slightly polar, at codon 671 of the TNPO3 protein (p.Arg671Cys).